The following is an entry in ClinVar:

ClinVar aggregate classification (germline): Uncertain significance (1 of 4 stars; one submission).

Allele frequency attached by ClinVar (database versions not stated): gnomAD exomes below 0.00001; ExAC 0.00002.
gnomAD v4.1: 1 of 1,527,508 alleles (0.000065%); highest among the groups gnomAD compares: Non-Finnish European, 0.000088%; no homozygotes.

Submission:

Labcorp Genetics (formerly Invitae), Labcorp
Classification: Uncertain significance. Last evaluated: 2022-02-23. Review status: criteria provided, single submitter. Criteria: Invitae Variant Classification Sherloc (09022015). Collection method: clinical testing. Allele origin: germline.
Comment: This variant is not present in population databases (gnomAD no frequency). In summary, the available evidence is currently insufficient to determine the role of this variant in disease. Therefore, it has been classified as a Variant of Uncertain Significance. Variants that disrupt the consensus splice site are a relatively common cause of aberrant splicing (PMID: 17576681, 9536098). Algorithms developed to predict the effect of sequence changes on RNA splicing suggest that this variant may disrupt the consensus splice site. This variant has not been reported in the literature in individuals affected with FREM1-related conditions. This sequence change affects an acceptor splice site in intron 37 of the FREM1 gene. While this variant is not anticipated to result in nonsense mediated decay, it likely alters RNA splicing and results in a disrupted protein product.

Literature cited by the submitters: PubMed 17576681; PubMed 9536098.

NM_001379081.2(FREM1):c.6341-1G>A

Gene: FREM1 (FRAS1 related extracellular matrix 1; minus strand). Cytogenetic location: 9p22.3.
Variant type: single nucleotide variant.
Coding change: c.6341-1G>A on transcript NM_001379081.2 (MANE Select); the canonical splice acceptor site of the intron before coding-DNA position 6341, G replaced by A.
Molecular consequence: splice acceptor variant.
Genome position (GRCh38, 1-based): chr9:14,737,596, C>T on the plus strand (G>A on the coding strand, the complement: FREM1 is on the minus strand). VCF-style: chr9-14737596-C-T. GRCh37 (hg19) VCF-style: chr9-14737594-C-T.
Other names: c.6341-1G>A (NM_144966.7); c.1949-1G>A (NM_001370061.2, NM_001177704.3); c.1683-1G>A (NM_001370058.2).
Identifiers: ClinVar variation 1402677 (VCV001402677.6), dbSNP rs772360985, ClinGen allele CA4989416.